The following is an entry in ClinVar:

NM_173660.5(DOK7):c.442G>T (p.Val148Phe)

Gene: DOK7 (docking protein 7; plus strand). Cytogenetic location: 4p16.3.
Variant type: single nucleotide variant.
Coding change: c.442G>T on transcript NM_173660.5 (MANE Select); coding-DNA position 442, G replaced by T.
Protein change: p.Val148Phe; replaces valine 148 with phenylalanine.
Molecular consequence: missense variant. On other transcripts: intron variant (1).
Genome position (GRCh38, 1-based): chr4:3,476,452, G>T. VCF-style: chr4-3476452-G-T. GRCh37 (hg19) VCF-style: chr4-3478179-G-T.
Other names: c.442G>T, p.Val148Phe (NM_001164673.2, NM_001301071.2); c.101-9087G>T (NM_001363811.2); short protein forms V148F.
Identifiers: ClinVar variation 1374472 (VCV001374472.6), dbSNP rs2109343658, ClinGen allele CA356114340.

ClinVar aggregate classification (germline): Uncertain significance (1 of 4 stars; one submission).

Conditions:
Congenital myasthenic syndrome 10. Also called: Myasthenia, limb-girdle, familial. Identifiers: Orphanet 590, MedGen C1850792, MONDO:0009690, OMIM 254300.
Fetal akinesia deformation sequence 1 (FADS1). Also called: Fetal akinesia sequence; Pena-Shokeir syndrome type I. Identifiers: Orphanet 994, MedGen C1276035, MONDO:0100101, OMIM 208150, HP:0001989.

Submission:

Labcorp Genetics (formerly Invitae), Labcorp
Classification: Uncertain significance for Congenital myasthenic syndrome 10; Fetal akinesia deformation sequence 1. Last evaluated: 2022-10-20. Review status: criteria provided, single submitter. Criteria: Invitae Variant Classification Sherloc (09022015). Collection method: clinical testing. Allele origin: germline.
Comment: ClinVar contains an entry for this variant (Variation ID: 1374472). Advanced modeling of protein sequence and biophysical properties (such as structural, functional, and spatial information, amino acid conservation, physicochemical variation, residue mobility, and thermodynamic stability) performed at Invitae indicates that this missense variant is expected to disrupt DOK7 protein function. In summary, the available evidence is currently insufficient to determine the role of this variant in disease. Therefore, it has been classified as a Variant of Uncertain Significance. This variant has not been reported in the literature in individuals affected with DOK7-related conditions. This sequence change replaces valine, which is neutral and non-polar, with phenylalanine, which is neutral and non-polar, at codon 148 of the DOK7 protein (p.Val148Phe). This variant is not present in population databases (gnomAD no frequency).